The following is an entry in ClinVar:

NM_004525.3(LRP2):c.5100C>T (p.Ser1700=)

Gene: LRP2 (LDL receptor related protein 2; minus strand). Cytogenetic location: 2q31.1.
Variant type: single nucleotide variant.
Coding change: c.5100C>T on transcript NM_004525.3 (MANE Select); coding-DNA position 5100, C replaced by T.
Protein change: p.Ser1700=; no amino-acid change (serine 1700 retained).
Molecular consequence: synonymous variant.
Genome position (GRCh38, 1-based): chr2:169,231,841, G>A on the plus strand (C>T on the coding strand, the complement: LRP2 is on the minus strand). VCF-style: chr2-169231841-G-A. GRCh37 (hg19) VCF-style: chr2-170088351-G-A.
Other names: p.Ser1700=.
Identifiers: ClinVar variation 129528 (VCV000129528.24), dbSNP rs2302694, ClinGen allele CA153593.
Genomic context (GRCh38, chr2:169,231,841, plus strand): 5'-AGGCCCCTGTGAGGAAAGCAGGCAGAGATGGCTGCAGCGGGAAAAGGCACATGGATTCAC[G>A]GCTGCATGAGAAAGAGAAGAAAGCACCAGTAAGTGGAAAACCTCCACATTAAAATCAAAA-3'
Protein context (NP_004516.2, residues 1690-1710): VAVHPSKQPN[Ser1700=]VNPCAFSRCS

ClinVar aggregate classification (germline): Benign/Likely benign. Review status: criteria provided, multiple submitters, no conflicts (2 of 4 stars). 9 submissions from 9 submitters: Benign (7); Likely benign (1). 1 of the submissions does not count toward it. Last evaluated 2026-02-04.

Conditions:
Donnai-Barrow syndrome. Also called: FACIOOCULOACOUSTICORENAL SYNDROME; DBS/FOAR SYNDROME. Identifiers: Orphanet 2143, MedGen C1857277, MONDO:0009104, OMIM 222448.

Allele frequency attached by ClinVar (database versions not stated): gnomAD exomes 0.10983 and 0.12217; ExAC 0.12808; 1000 Genomes Project 0.18371; gnomAD 0.18453 and 0.19156; 1000 Genomes Project 30x 0.19394; ESP Exome Variant Server 0.20398; TOPMed 0.20465.
gnomAD v4.1: 189,577 of 1,613,526 alleles (12%); highest among the groups gnomAD compares: African/African-American, 39%; 14,569 homozygotes.

Submissions (9):

Labcorp Genetics (formerly Invitae), Labcorp
Classification: Benign. Last evaluated: 2026-02-04. Review status: criteria provided, single submitter. Criteria: Invitae Variant Classification Sherloc (09022015). Collection method: clinical testing. Allele origin: germline.

Blueprint Genetics
Classification: Likely benign. Last evaluated: 2024-11-26. Review status: criteria provided, single submitter. Criteria: ACMG Guidelines, 2015. Collection method: clinical testing. Allele origin: germline.

Mayo Clinic Laboratories, Mayo Clinic
Classification: Benign. Last evaluated: 2022-11-10. Review status: criteria provided, single submitter. Criteria: ACMG Guidelines, 2015. Collection method: clinical testing. Allele origin: germline. Observed: 36 variant alleles.

Genome-Nilou Lab
Classification: Benign for Donnai-Barrow syndrome. Last evaluated: 2021-07-15. Review status: criteria provided, single submitter. Criteria: ACMG Guidelines, 2015. Collection method: clinical testing. Allele origin: germline. Affected: no.

Illumina Laboratory Services, Illumina
Classification: Benign for Donnai-Barrow syndrome. Last evaluated: 2018-01-12. Review status: criteria provided, single submitter. Criteria: ICSL Variant Classification Criteria 13 December 2019. Collection method: clinical testing. Allele origin: germline.
Comment: This variant was observed in the ICSL laboratory as part of a predisposition screen in an ostensibly healthy population. It had not been previously curated by ICSL or reported in the Human Gene Mutation Database (HGMD: prior to June 1st, 2018), and was therefore a candidate for classification through an automated scoring system. Utilizing variant allele frequency, disease prevalence and penetrance estimates, and inheritance mode, an automated score was calculated to assess if this variant is too frequent to cause the disease. Based on the score and internal cut-off values, a variant classified as benign is not then subjected to further curation. The score for this variant resulted in a classification of benign for this disease.

GeneDx
Classification: Benign. Last evaluated: 2015-03-03. Review status: criteria provided, single submitter. Criteria: GeneDx Variant Classification Process June 2021. Collection method: clinical testing. Allele origin: germline. Affected: yes.

Breakthrough Genomics
Classification: Benign. Review status: criteria provided, single submitter. Criteria: ACMG Guidelines, 2015. Collection method: not provided. Allele origin: germline. Inheritance: Autosomal recessive inheritance. Affected: yes.

PreventionGenetics, part of Exact Sciences
Classification: Benign. Review status: criteria provided, single submitter. Criteria: ACMG Guidelines, 2015. Collection method: clinical testing. Allele origin: germline.

Genetic Services Laboratory, University of Chicago
Classification: Likely benign for AllHighlyPenetrant. Review status: no assertion criteria provided. Collection method: clinical testing. Allele origin: germline. Inheritance: Autosomal recessive inheritance. Not counted in ClinVar's aggregate classification.
Comment: Likely benign based on allele frequency in 1000 Genomes Project or ESP global frequency and its presence in a patient with a rare or unrelated disease phenotype. NOT Sanger confirmed.